The following is an entry in ClinVar:

ClinVar aggregate classification (germline): Uncertain significance (1 of 4 stars; one submission).

gnomAD v4.1: 1 of 1,551,420 alleles (0.000064%); highest among the groups gnomAD compares: South Asian, 0.0012%; no homozygotes.

Submission:

GeneDx
Classification: Uncertain significance. Last evaluated: 2024-10-13. Review status: criteria provided, single submitter. Criteria: GeneDx Variant Classification Process June 2021. Collection method: clinical testing. Allele origin: germline. Affected: yes.
Comment: Not observed at significant frequency in large population cohorts (gnomAD); In silico analysis indicates that this missense variant does not alter protein structure/function; Has not been previously published as pathogenic or benign to our knowledge

NM_001367479.1(DNAH14):c.10501A>G (p.Ile3501Val)

Gene: DNAH14 (dynein axonemal heavy chain 14; plus strand). Cytogenetic location: 1q42.12.
Variant type: single nucleotide variant.
Coding change: c.10501A>G on transcript NM_001367479.1 (MANE Select); coding-DNA position 10501, A replaced by G.
Protein change: p.Ile3501Val; replaces isoleucine 3501 with valine.
Molecular consequence: missense variant.
Genome position (GRCh38, 1-based): chr1:225,340,524, A>G. VCF-style: chr1-225340524-A-G. GRCh37 (hg19) VCF-style: chr1-225528226-A-G.
Other names: NM_001373.1:c.10222A>G; short protein forms I3501V.
Identifiers: ClinVar variation 3777432 (VCV003777432.1).